The following is an entry in ClinVar:

NC_000015.9:g.(?_91489824)_(91496946_?)del

Gene: UNC45A (unc-45 myosin chaperone A; plus strand). Cytogenetic location: 15q26.1.
Variant type: Deletion.
Identifiers: ClinVar variation 2426479 (VCV002426479.4).

ClinVar aggregate classification (germline): Uncertain significance (1 of 4 stars; one submission).

Submission:

Labcorp Genetics (formerly Invitae), Labcorp
Classification: Uncertain significance. Last evaluated: 2023-08-10. Review status: criteria provided, single submitter. Criteria: Invitae Variant Classification Sherloc (09022015). Collection method: clinical testing. Allele origin: germline.
Comment: This variant is a gross deletion of the genomic region encompassing exon(s) 10-20 of the UNC45A gene, which includes the termination codon. This deletion extends beyond the assayed region for this gene and therefore may encompass additional genes. While this deletion is not anticipated to lead to nonsense mediated decay, it is expected to alter mRNA translation or result in a truncated protein product. This variant has not been reported in the literature in individuals affected with UNC45A-related conditions. Experimental studies and prediction algorithms are not available or were not evaluated, and the functional significance of this variant is currently unknown. In summary, the available evidence is currently insufficient to determine the role of this variant in disease. Therefore, it has been classified as a Variant of Uncertain Significance.